The following is an entry in ClinVar:

ClinVar aggregate classification (germline): Pathogenic/Likely pathogenic. Review status: criteria provided, multiple submitters, no conflicts (2 of 4 stars). 2 submissions from 2 submitters: Pathogenic (1); Likely pathogenic (1). Last evaluated 2024-02-23.

Conditions:
Deficiency of hyaluronoglucosaminidase (MPS9). Also called: MPS IX; Mucopolysaccharidosis type 9; HYALURONIDASE DEFICIENCY. Identifiers: Orphanet 67041, MedGen C1291490, MONDO:0011093, OMIM 601492.

Allele frequency attached by ClinVar (database versions not stated): gnomAD exomes below 0.00001; ExAC 0.00002.

Submissions (2):

Fulgent Genetics
Classification: Likely pathogenic for Deficiency of hyaluronoglucosaminidase. Last evaluated: 2024-02-23. Review status: criteria provided, single submitter. Criteria: ACMG Guidelines, 2015. Collection method: clinical testing. Allele origin: germline.

Labcorp Genetics (formerly Invitae), Labcorp
Classification: Pathogenic for Deficiency of hyaluronoglucosaminidase. Last evaluated: 2023-02-09. Review status: criteria provided, single submitter. Criteria: Invitae Variant Classification Sherloc (09022015). Collection method: clinical testing. Allele origin: germline.
Comment: For these reasons, this variant has been classified as Pathogenic. ClinVar contains an entry for this variant (Variation ID: 1454959). This variant has not been reported in the literature in individuals affected with HYAL1-related conditions. This variant is present in population databases (rs781974681, gnomAD 0.006%). This sequence change creates a premature translational stop signal (p.Asn29Thrfs*31) in the HYAL1 gene. It is expected to result in an absent or disrupted protein product. Loss-of-function variants in HYAL1 are known to be pathogenic (PMID: 10339581, 21559944).

Literature cited by the submitters: PubMed 10339581 (cited by Labcorp Genetics (formerly Invitae), Labcorp); PubMed 21559944 (cited by Labcorp Genetics (formerly Invitae), Labcorp).

NM_033159.4(HYAL1):c.81del (p.Asn29fs)

Gene: HYAL1 (hyaluronidase 1; minus strand). Cytogenetic location: 3p21.31.
Variant type: Deletion.
Coding change: c.81del on transcript NM_033159.4 (MANE Select); coding-DNA position 81, one base deleted (A; older notation c.81delA).
Protein change: p.Asn29fs; shifts the reading frame from asparagine 29.
Molecular consequence: frameshift variant. On other transcripts: non-coding transcript variant (1), intron variant (2).
Genome position (GRCh38, 1-based): chr3:50,302,876, T deleted on the plus strand (A on the coding strand, the reverse complement: HYAL1 is on the minus strand). VCF-style (leftmost placement, unchanged base first): chr3-50302875-GT-G. GRCh37 (hg19) VCF-style: chr3-50340306-GT-G.
Other names: c.81del, p.Asn29fs (NM_153281.2, NM_153282.3); c.-27+590del (NM_153285.3); c.-213-253del (NM_153283.3); c.81del (NM_153281.1); short protein forms N29fs.
Identifiers: ClinVar variation 1454959 (VCV001454959.7), dbSNP rs781974681, ClinGen allele CA2416022.